The following is an entry in ClinVar:

NM_001211.6(BUB1B):c.888A>G (p.Ile296Met)

Gene: BUB1B (BUB1 mitotic checkpoint serine/threonine kinase B; plus strand). Cytogenetic location: 15q15.1.
Variant type: single nucleotide variant.
Coding change: c.888A>G on transcript NM_001211.6 (MANE Select); coding-DNA position 888, A replaced by G.
Protein change: p.Ile296Met; replaces isoleucine 296 with methionine.
Molecular consequence: missense variant.
Genome position (GRCh38, 1-based): chr15:40,185,301, A>G. VCF-style: chr15-40185301-A-G. GRCh37 (hg19) VCF-style: chr15-40477502-A-G.
Other names: short protein forms I296M.
Identifiers: ClinVar variation 3483238 (VCV003483238.1).

ClinVar aggregate classification (germline): Uncertain significance (1 of 4 stars; one submission).

Conditions:
Inborn genetic diseases. Identifiers: MedGen C0950123, MeSH D030342.

Submission:

Ambry Genetics
Classification: Uncertain significance for Inborn genetic diseases. Last evaluated: 2024-11-18. Review status: criteria provided, single submitter. Criteria: Ambry Variant Classification Scheme 2023. Collection method: clinical testing. Allele origin: germline.
Comment: The p.I296M variant (also known as c.888A>G), located in coding exon 7 of the BUB1B gene, results from an A to G substitution at nucleotide position 888. The isoleucine at codon 296 is replaced by methionine, an amino acid with highly similar properties. This amino acid position is conserved. In addition, this alteration is predicted to be tolerated by in silico analysis. Based on the available evidence, the clinical significance of this variant remains unclear.